The following is an entry in ClinVar:

ClinVar aggregate classification (germline): Likely pathogenic (1 of 4 stars; one submission).

Conditions:
3M syndrome 1. Also called: 3-M Syndrome, CUL7-Related. Identifiers: Orphanet 2616, MedGen C2678312, MONDO:0010117, OMIM 273750.

Submission:

Juno Genomics, Hangzhou Juno Genomics, Inc
Classification: Likely pathogenic for 3M syndrome 1. Review status: criteria provided, single submitter. Criteria: ACMG Guidelines, 2015. Collection method: clinical testing. Allele origin: germline.
Comment: Null variant in a gene where loss of function (LOF) is a known mechanism of disease.;Absent from controls (or at extremely low frequency if recessive) in Genome Aggregation Database.

NM_014780.5(CUL7):c.1825+2T>G

Gene: CUL7 (cullin 7; minus strand). Cytogenetic location: 6p21.1.
Variant type: single nucleotide variant.
Coding change: c.1825+2T>G on transcript NM_014780.5 (MANE Select); the canonical splice donor site of the intron after coding-DNA position 1825, T replaced by G.
Molecular consequence: splice donor variant.
Genome position (GRCh38, 1-based): chr6:43,049,405, A>C on the plus strand (T>G on the coding strand, the complement: CUL7 is on the minus strand). VCF-style: chr6-43049405-A-C. GRCh37 (hg19) VCF-style: chr6-43017143-A-C.
Other names: c.1921+2T>G (NM_001168370.2, NM_001374872.1); c.1825+2T>G (NM_001374874.1, NM_001374873.1).
Identifiers: ClinVar variation 5007061 (VCV005007061.2).